The following is an entry in ClinVar:

NM_032482.3(DOT1L):c.4208C>A (p.Thr1403Asn)

Gene: DOT1L (DOT1 like histone lysine methyltransferase; plus strand). Cytogenetic location: 19p13.3.
Variant type: single nucleotide variant.
Coding change: c.4208C>A on transcript NM_032482.3 (MANE Select); coding-DNA position 4208, C replaced by A.
Protein change: p.Thr1403Asn; replaces threonine 1403 with asparagine.
Molecular consequence: missense variant.
Genome position (GRCh38, 1-based): chr19:2,226,729, C>A. VCF-style: chr19-2226729-C-A. GRCh37 (hg19) VCF-style: chr19-2226728-C-A.
Other names: c.4208C>A, p.Thr1403Asn (NM_001411141.1); short protein forms T1403N.
Identifiers: ClinVar variation 4821875 (VCV004821875.4).

ClinVar aggregate classification (germline): Likely benign (1 of 4 stars; one submission).

gnomAD v4.1: 387 of 1,559,716 alleles (0.025%); highest among the groups gnomAD compares: Non-Finnish European, 0.032%; no homozygotes.

Submission:

CeGaT Center for Human Genetics Tuebingen
Classification: Likely benign. Last evaluated: 2026-02-01. Review status: criteria provided, single submitter. Criteria: CeGaT Center For Human Genetics Tuebingen Variant Classification Criteria Version 2. Collection method: clinical testing. Allele origin: germline. Affected: yes. Observed: 1 variant allele.
Comment: DOT1L: BP4